The following is an entry in ClinVar:

ClinVar aggregate classification (germline): Likely benign (1 of 4 stars; one submission).

Allele frequency attached by ClinVar (database versions not stated): gnomAD 0.00633 and 0.00671; TOPMed 0.00676; 1000 Genomes Project 0.00919.
gnomAD v4.1: 926 of 147,718 alleles (0.63%); highest among the groups gnomAD compares: African/African-American, 2.3%; 10 homozygotes.

Submission:

GeneDx
Classification: Likely benign. Last evaluated: 2018-06-18. Review status: criteria provided, single submitter. Criteria: GeneDx Variant Classification (06012015). Collection method: clinical testing. Allele origin: germline. Affected: yes.
Comment: This variant is considered likely benign or benign based on one or more of the following criteria: it is a conservative change, it occurs at a poorly conserved position in the protein, it is predicted to be benign by multiple in silico algorithms, and/or has population frequency not consistent with disease.

NM_000051.4(ATM):c.332-158T>A

Gene: ATM (ATM serine/threonine kinase; plus strand). Cytogenetic location: 11q22.3.
Variant type: single nucleotide variant.
Coding change: c.332-158T>A on transcript NM_000051.4 (MANE Select); 158 bases into the intron before coding-DNA position 332, T replaced by A.
Molecular consequence: intron variant.
Genome position (GRCh38, 1-based): chr11:108,235,512, T>A. VCF-style: chr11-108235512-T-A. GRCh37 (hg19) VCF-style: chr11-108106239-T-A.
Other names: c.332-158T>A (NM_001351834.2).
Identifiers: ClinVar variation 678073 (VCV000678073.1), dbSNP rs76066256, ClinGen allele CA228374519.